The following is an entry in ClinVar:

ClinVar aggregate classification (germline): Uncertain significance. Review status: criteria provided, multiple submitters, no conflicts (2 of 4 stars). 2 submissions from 2 submitters: Uncertain significance (2). Last evaluated 2025-06-20.

Conditions:
Hereditary cancer-predisposing syndrome. Also called: Neoplastic Syndromes, Hereditary; Tumor predisposition; Hereditary Cancer Syndrome; Hereditary neoplastic syndrome. Identifiers: Orphanet 140162, MedGen C0027672, MeSH D009386, MONDO:0015356.
Bloom syndrome (BLM). Also called: Bloom-Torre-Machacek syndrome. Identifiers: Orphanet 125, MedGen C0005859, MONDO:0008876, OMIM 210900.

Allele frequency attached by ClinVar (database versions not stated): gnomAD exomes below 0.00001; ExAC 0.00001.
gnomAD v4.1: 1 of 1,606,510 alleles (0.000062%); highest among the groups gnomAD compares: Non-Finnish European, 0.000085%; no homozygotes.

Submissions (2):

Ambry Genetics
Classification: Uncertain significance for Hereditary cancer-predisposing syndrome. Last evaluated: 2025-06-20. Review status: criteria provided, single submitter. Criteria: Ambry Variant Classification Scheme 2023. Collection method: clinical testing. Allele origin: germline.
Comment: The p.R1075K variant (also known as c.3224G>A), located in coding exon 16 of the BLM gene, results from a G to A substitution at nucleotide position 3224. The arginine at codon 1075 is replaced by lysine, an amino acid with highly similar properties. This amino acid position is well conserved in available vertebrate species. In addition, this alteration is predicted to be tolerated by in silico analysis. Since supporting evidence is limited at this time, the clinical significance of this alteration remains unclear.

Labcorp Genetics (formerly Invitae), Labcorp
Classification: Uncertain significance for Bloom syndrome. Last evaluated: 2024-03-14. Review status: criteria provided, single submitter. Criteria: Invitae Variant Classification Sherloc (09022015). Collection method: clinical testing. Allele origin: germline.
Comment: This sequence change replaces arginine, which is basic and polar, with lysine, which is basic and polar, at codon 1075 of the BLM protein (p.Arg1075Lys). This variant is present in population databases (rs749559270, gnomAD 0.002%). This variant has not been reported in the literature in individuals affected with BLM-related conditions. ClinVar contains an entry for this variant (Variation ID: 648712). Advanced modeling of protein sequence and biophysical properties (such as structural, functional, and spatial information, amino acid conservation, physicochemical variation, residue mobility, and thermodynamic stability) performed at Invitae indicates that this missense variant is not expected to disrupt BLM protein function with a negative predictive value of 80%. In summary, the available evidence is currently insufficient to determine the role of this variant in disease. Therefore, it has been classified as a Variant of Uncertain Significance.

NM_000057.4(BLM):c.3224G>A (p.Arg1075Lys)

Gene: BLM (BLM RecQ like helicase; plus strand). Cytogenetic location: 15q26.1.
Variant type: single nucleotide variant.
Coding change: c.3224G>A on transcript NM_000057.4 (MANE Select); coding-DNA position 3224, G replaced by A.
Protein change: p.Arg1075Lys; replaces arginine 1075 with lysine.
Molecular consequence: missense variant.
Genome position (GRCh38, 1-based): chr15:90,798,203, G>A. VCF-style: chr15-90798203-G-A. GRCh37 (hg19) VCF-style: chr15-91341433-G-A.
Other names: c.3224G>A, p.Arg1075Lys (NM_001287246.2, NM_001287247.2); c.2099G>A, p.Arg700Lys (NM_001287248.2); short protein forms R700K, R1075K.
Identifiers: ClinVar variation 648712 (VCV000648712.15), dbSNP rs749559270, ClinGen allele CA7738965.